The following is an entry in ClinVar:

NM_003235.5(TG):c.4519C>T (p.Gln1507Ter)

Gene: TG (thyroglobulin; plus strand). Cytogenetic location: 8q24.22.
Variant type: single nucleotide variant.
Coding change: c.4519C>T on transcript NM_003235.5 (MANE Select); coding-DNA position 4519, C replaced by T.
Protein change: p.Gln1507Ter; replaces glutamine 1507 with a stop codon.
Molecular consequence: nonsense.
Genome position (GRCh38, 1-based): chr8:132,919,516, C>T. VCF-style: chr8-132919516-C-T. GRCh37 (hg19) VCF-style: chr8-133931761-C-T.
Other names: short protein forms Q1507*.
Identifiers: ClinVar variation 2987944 (VCV002987944.3), dbSNP rs2490314537, ClinGen allele CA372247758.

ClinVar aggregate classification (germline): Pathogenic (1 of 4 stars; one submission).

Allele frequency attached by ClinVar (database versions not stated): gnomAD exomes below 0.00001.
gnomAD v4.1: 6 of 1,613,868 alleles (0.00037%); highest among the groups gnomAD compares: South Asian, 0.0011%; no homozygotes.

Submission:

Labcorp Genetics (formerly Invitae), Labcorp
Classification: Pathogenic. Last evaluated: 2023-04-10. Review status: criteria provided, single submitter. Criteria: Invitae Variant Classification Sherloc (09022015). Collection method: clinical testing. Allele origin: germline.
Comment: For these reasons, this variant has been classified as Pathogenic. This variant has not been reported in the literature in individuals affected with TG-related conditions. This variant is not present in population databases (gnomAD no frequency). This sequence change creates a premature translational stop signal (p.Gln1507*) in the TG gene. It is expected to result in an absent or disrupted protein product. Loss-of-function variants in TG are known to be pathogenic (PMID: 19837936, 23164529).

Literature cited by the submitters: PubMed 19837936; PubMed 23164529.